The following is an entry in ClinVar:

NM_002234.4(KCNA5):c.967C>T (p.Pro323Ser)

Gene: KCNA5 (potassium voltage-gated channel subfamily A member 5; plus strand). Cytogenetic location: 12p13.32.
Variant type: single nucleotide variant.
Coding change: c.967C>T on transcript NM_002234.4 (MANE Select); coding-DNA position 967, C replaced by T.
Protein change: p.Pro323Ser; replaces proline 323 with serine.
Molecular consequence: missense variant.
Genome position (GRCh38, 1-based): chr12:5,045,114, C>T. VCF-style: chr12-5045114-C-T. GRCh37 (hg19) VCF-style: chr12-5154280-C-T.
Other names: c.967C>T (NM_002234.2); short protein forms P323S.
Identifiers: ClinVar variation 498922 (VCV000498922.11), dbSNP rs376977376, ClinGen allele CA6399775.
Genomic context (GRCh38, chr12:5,045,114, plus strand): 5'-GTCATGGCCCCGCCCTCTGGCCCTACGGTGGCACCGCTCCTGCCCAGGACCCTGGCCGAC[C>T]CCTTCTTCATCGTGGAGACCACGTGCGTCATCTGGTTCACCTTCGAGCTGCTCGTGCGCT-3'
Protein context (NP_002225.2, residues 313-333): APLLPRTLAD[Pro323Ser]FFIVETTCVI

ClinVar aggregate classification (germline): Uncertain significance. Review status: criteria provided, multiple submitters, no conflicts (2 of 4 stars). 4 submissions from 4 submitters: Uncertain significance (4). Last evaluated 2022-12-15.

Conditions:
Inborn genetic diseases. Identifiers: MedGen C0950123, MeSH D030342.
Atrial fibrillation, familial, 7 (ATFB7). Identifiers: MedGen C2677106, MONDO:0012828, OMIM 612240.

Allele frequency attached by ClinVar (database versions not stated): TOPMed 0.00001.

Submissions (4):

Labcorp Genetics (formerly Invitae), Labcorp
Classification: Uncertain significance for Atrial fibrillation, familial, 7. Last evaluated: 2022-12-15. Review status: criteria provided, single submitter. Criteria: Invitae Variant Classification Sherloc (09022015). Collection method: clinical testing. Allele origin: germline.
Comment: Algorithms developed to predict the effect of missense changes on protein structure and function (SIFT, PolyPhen-2, Align-GVGD) all suggest that this variant is likely to be disruptive. In summary, the available evidence is currently insufficient to determine the role of this variant in disease. Therefore, it has been classified as a Variant of Uncertain Significance. ClinVar contains an entry for this variant (Variation ID: 498922). This variant has not been reported in the literature in individuals affected with KCNA5-related conditions. This variant is present in population databases (rs376977376, gnomAD 0.003%). This sequence change replaces proline, which is neutral and non-polar, with serine, which is neutral and polar, at codon 323 of the KCNA5 protein (p.Pro323Ser).

Ambry Genetics
Classification: Uncertain significance for Inborn genetic diseases. Last evaluated: 2022-08-29. Review status: criteria provided, single submitter. Criteria: Ambry Variant Classification Scheme 2023. Collection method: clinical testing. Allele origin: germline.

AiLife Diagnostics
Classification: Uncertain significance. Last evaluated: 2022-02-11. Review status: criteria provided, single submitter. Criteria: ACMG Guidelines, 2015. Collection method: clinical testing. Allele origin: germline. Affected: yes. Observed: 2 variant alleles.

Eurofins Ntd Llc (ga)
Classification: Uncertain significance. Last evaluated: 2016-12-08. Review status: criteria provided, single submitter. Criteria: EGL Classification Definitions 2015. Collection method: clinical testing. Allele origin: germline. Observed: 1 variant allele, 1 heterozygote.